The following is an entry in ClinVar:

NM_018975.4(TERF2IP):c.470C>T (p.Ser157Phe)

Gene: TERF2IP (TERF2 interacting protein; plus strand). Cytogenetic location: 16q23.1.
Variant type: single nucleotide variant.
Coding change: c.470C>T on transcript NM_018975.4 (MANE Select); coding-DNA position 470, C replaced by T.
Protein change: p.Ser157Phe; replaces serine 157 with phenylalanine.
Molecular consequence: missense variant. On other transcripts: non-coding transcript variant (1).
Genome position (GRCh38, 1-based): chr16:75,648,352, C>T. VCF-style: chr16-75648352-C-T. GRCh37 (hg19) VCF-style: chr16-75682250-C-T.
Other names: short protein forms S157F.
Identifiers: ClinVar variation 2563464 (VCV002563464.2), dbSNP rs1230989304, ClinGen allele CA396817972.

ClinVar aggregate classification (germline): Uncertain significance (1 of 4 stars; one submission).

Allele frequency attached by ClinVar (database versions not stated): gnomAD exomes below 0.00001.
gnomAD v4.1: 1 of 1,596,710 alleles (0.000063%); highest among the groups gnomAD compares: Non-Finnish European, 0.000085%; no homozygotes.

Submission:

Ambry Genetics
Classification: Uncertain significance. Last evaluated: 2023-05-02. Review status: criteria provided, single submitter. Criteria: Ambry Variant Classification Scheme 2023. Collection method: clinical testing. Allele origin: germline.
Comment: The p.S157F variant (also known as c.470C>T), located in coding exon 1 of the TERF2IP gene, results from a C to T substitution at nucleotide position 470. The serine at codon 157 is replaced by phenylalanine, an amino acid with highly dissimilar properties. This amino acid position is conserved. In addition, this alteration is predicted to be tolerated by in silico analysis. Since supporting evidence is limited at this time, the clinical significance of this alteration remains unclear.